The following is an entry in ClinVar:

ClinVar aggregate classification (germline): Uncertain significance (1 of 4 stars; one submission).

Conditions:
Dilated cardiomyopathy 1AA (CMD1AA). Also called: Cardiomyopathy, dilated, 1AA, with or without LVNC; CARDIOMYOPATHY, DILATED, 1AA, WITH OR WITHOUT LEFT VENTRICULAR NONCOMPACTION; CARDIOMYOPATHY, FAMILIAL HYPERTROPHIC, 23, WITH OR WITHOUT LEFT VENTRICULAR NONCOMPACTION. Identifiers: Orphanet 154, MedGen C2677338, MONDO:0012808, OMIM 612158.
Primary familial hypertrophic cardiomyopathy (HCM). Identifiers: Orphanet 99739, MedGen C0949658, MeSH D024741, MONDO:0024573. Inheritance: Various modes of inheritance.

Submission:

Labcorp Genetics (formerly Invitae), Labcorp
Classification: Uncertain significance for Primary familial hypertrophic cardiomyopathy; Dilated cardiomyopathy 1AA. Last evaluated: 2021-06-21. Review status: criteria provided, single submitter. Criteria: Invitae Variant Classification Sherloc (09022015). Collection method: clinical testing. Allele origin: germline.
Comment: This variant has not been reported in the literature in individuals with ACTN2-related conditions. This sequence change creates a premature translational stop signal (p.Gln677*) in the ACTN2 gene. It is expected to result in an absent or disrupted protein product. However, the current clinical and genetic evidence is not sufficient to establish whether loss-of-function variants in ACTN2 cause disease. This variant is not present in population databases (ExAC no frequency). In summary, the available evidence is currently insufficient to determine the role of this variant in disease. Therefore, it has been classified as a Variant of Uncertain Significance.

NM_001103.4(ACTN2):c.2029C>T (p.Gln677Ter)

Gene: ACTN2 (actinin alpha 2; plus strand). Cytogenetic location: 1q43.
Variant type: single nucleotide variant.
Coding change: c.2029C>T on transcript NM_001103.4 (MANE Select); coding-DNA position 2029, C replaced by T.
Protein change: p.Gln677Ter; replaces glutamine 677 with a stop codon.
Molecular consequence: nonsense.
Genome position (GRCh38, 1-based): chr1:236,755,073, C>T. VCF-style: chr1-236755073-C-T. GRCh37 (hg19) VCF-style: chr1-236918373-C-T.
Other names: c.2029C>T, p.Gln677Ter (NM_001278343.2); c.1405C>T, p.Gln469Ter (NM_001278344.2); short protein forms Q677*, Q469*.
Identifiers: ClinVar variation 1493011 (VCV001493011.6), dbSNP rs2102943969, ClinGen allele CA345387503.
Genomic context (GRCh38, chr1:236,755,073, plus strand): 5'-CCTCAGGAGATTGCCCGGAGCTCCATCCAGATCACAGGAGCCCTGGAAGACCAGATGAAC[C>T]AGCTGAAGCAGTATGAGCACAACATCATCAACTATAAGAACAACATCGACAAGCTGGAGG-3'